The following is an entry in ClinVar:

NM_001323289.2(CDKL5):c.853A>G (p.Arg285Gly)

Gene: CDKL5 (cyclin dependent kinase like 5; plus strand). Cytogenetic location: Xp22.13.
Variant type: single nucleotide variant.
Coding change: c.853A>G on transcript NM_001323289.2 (MANE Select); coding-DNA position 853, A replaced by G.
Protein change: p.Arg285Gly; replaces arginine 285 with glycine.
Molecular consequence: missense variant.
Genome position (GRCh38, 1-based): chrX:18,598,489, A>G. VCF-style: chrX-18598489-A-G. GRCh37 (hg19) VCF-style: chrX-18616609-A-G.
Other names: c.853A>G, p.Arg285Gly (NM_001037343.2, NM_003159.3); short protein forms R285G.
Identifiers: ClinVar variation 954584 (VCV000954584.10), dbSNP rs1926078505, ClinGen allele CA412355761.
Genomic context (GRCh38, chrX:18,598,489, plus strand): 5'-TGTTCTTAACGATCCTAAATTTTATTTCCTAAGAATTTACTGAAGTTGGACCCAGCTGAC[A>G]GATACTTGACAGAACAGTGTTTGAATCACCCTACATTTCAAACCCAGAGACTTCTGGATC-3'
Protein context (NP_001310218.1, residues 275-295): KNLLKLDPAD[Arg285Gly]YLTEQCLNHP

ClinVar aggregate classification (germline): Pathogenic (1 of 4 stars; one submission).

Conditions:
Developmental and epileptic encephalopathy, 2 (DEE2). Also called: CDKL5 deficiency disorder; INFANTILE SPASM SYNDROME, X-LINKED 2. Identifiers: Orphanet 1934, Orphanet 3451, Orphanet 505652, MedGen C4750718, MONDO:0010396, OMIM 300672.
Angelman syndrome-like. Identifiers: MedGen CN128785.

Submission:

Labcorp Genetics (formerly Invitae), Labcorp
Classification: Pathogenic for Developmental and epileptic encephalopathy, 2; Angelman syndrome-like. Last evaluated: 2025-08-21. Review status: criteria provided, single submitter. Criteria: Invitae Variant Classification Sherloc (09022015). Collection method: clinical testing. Allele origin: germline.
Comment: This sequence change replaces arginine, which is basic and polar, with glycine, which is neutral and non-polar, at codon 285 of the CDKL5 protein (p.Arg285Gly). This variant is not present in population databases (gnomAD no frequency). This missense change has been observed in individual(s) with clinical features of CDKL5-related conditions (PMID: 29264392; internal data). In at least one individual the variant was observed to be de novo. ClinVar contains an entry for this variant (Variation ID: 954584). Invitae Evidence Modeling of protein sequence and biophysical properties (such as structural, functional, and spatial information, amino acid conservation, physicochemical variation, residue mobility, and thermodynamic stability) indicates that this missense variant is expected to disrupt CDKL5 protein function with a positive predictive value of 95%. For these reasons, this variant has been classified as Pathogenic.

Literature cited by the submitters: PubMed 29264392.